The following is an entry in ClinVar:

ClinVar aggregate classification (germline): Uncertain significance (1 of 4 stars; one submission).

gnomAD v4.1: 1 of 1,531,520 alleles (0.000065%); no homozygotes.

Submission:

GeneDx
Classification: Uncertain significance. Last evaluated: 2026-03-20. Review status: criteria provided, single submitter. Criteria: GeneDx Variant Classification Process June 2021. Collection method: clinical testing. Allele origin: germline.
Comment: Not observed at significant frequency in large population cohorts (gnomAD); Has not been previously published as pathogenic or benign to our knowledge; Alters the Kozak sequence, which plays a major role in the initiation of translation

NM_001039469.3(MARK2):c.-2C>G

Gene: MARK2 (microtubule affinity regulating kinase 2; plus strand). Cytogenetic location: 11q13.1.
Variant type: single nucleotide variant.
Coding change: c.-2C>G on transcript NM_001039469.3 (MANE Select); 2 bases upstream of the start codon, C replaced by G.
Molecular consequence: 5 prime UTR variant.
Genome position (GRCh38, 1-based): chr11:63,839,505, C>G. VCF-style: chr11-63839505-C-G. GRCh37 (hg19) VCF-style: chr11-63606977-C-G.
Other names: c.-2C>G (NM_001163296.2, NM_001163297.2, NM_004954.5).
Identifiers: ClinVar variation 5017122 (VCV005017122.1).